The following is an entry in ClinVar:

NM_000492.4(CFTR):c.2626G>A (p.Ala876Thr)

Gene: CFTR (CF transmembrane conductance regulator; plus strand). Cytogenetic location: 7q31.2.
Variant type: single nucleotide variant.
Coding change: c.2626G>A on transcript NM_000492.4 (MANE Select); coding-DNA position 2626, G replaced by A.
Protein change: p.Ala876Thr; replaces alanine 876 with threonine.
Molecular consequence: missense variant.
Genome position (GRCh38, 1-based): chr7:117,602,832, G>A. VCF-style: chr7-117602832-G-A. GRCh37 (hg19) VCF-style: chr7-117242886-G-A.
Other names: short protein forms A876T.
Identifiers: ClinVar variation 966212 (VCV000966212.10), dbSNP rs1328356747, ClinGen allele CA368985910.

ClinVar aggregate classification (germline): Uncertain significance. Review status: criteria provided, single submitter (1 of 4 stars). 2 submissions from 2 submitters: Uncertain significance (1). 1 of the submissions does not count toward it. Last evaluated 2019-10-15.

Conditions:
CFTR-related disorder (CFTR-RD). Also called: CFTR-related disorders; CFTR-related condition. Identifiers: MedGen C5924204, MONDO:7770004.
Cystic fibrosis (CF). Also called: MUCOVISCIDOSIS. Identifiers: Orphanet 586, MedGen C0010674, MONDO:0009061, OMIM 219700. Disease mechanism: loss of function.

Submissions (2):

Labcorp Genetics (formerly Invitae), Labcorp
Classification: Uncertain significance for Cystic fibrosis. Last evaluated: 2019-10-15. Review status: criteria provided, single submitter. Criteria: Invitae Variant Classification Sherloc (09022015). Collection method: clinical testing. Allele origin: germline.
Comment: This sequence change replaces alanine with threonine at codon 876 of the CFTR protein (p.Ala876Thr). The alanine residue is moderately conserved and there is a small physicochemical difference between alanine and threonine. This variant is not present in population databases (ExAC no frequency). In summary, the available evidence is currently insufficient to determine the role of this variant in disease. Therefore, it has been classified as a Variant of Uncertain Significance. Algorithms developed to predict the effect of missense changes on protein structure and function (SIFT, PolyPhen-2, Align-GVGD) all suggest that this variant is likely to be tolerated, but these predictions have not been confirmed by published functional studies and their clinical significance is uncertain. This variant has not been reported in the literature in individuals with CFTR-related conditions.

Natera, Inc.
Classification: Uncertain significance for CFTR-related disorders. Last evaluated: 2021-07-22. Review status: no assertion criteria provided. Collection method: clinical testing. Allele origin: germline. Not counted in ClinVar's aggregate classification.